The following is an entry in ClinVar:

ClinVar aggregate classification (germline): Uncertain significance. Review status: criteria provided, multiple submitters, no conflicts (2 of 4 stars). 2 submissions from 2 submitters: Uncertain significance (2). Last evaluated 2025-08-30.

gnomAD v4.1: 32 of 1,548,102 alleles (0.0021%); highest among the groups gnomAD compares: South Asian, 0.016%; no homozygotes.

Submissions (2):

Labcorp Genetics (formerly Invitae), Labcorp
Classification: Uncertain significance. Last evaluated: 2025-08-30. Review status: criteria provided, single submitter. Criteria: Invitae Variant Classification Sherloc (09022015). Collection method: clinical testing. Allele origin: germline.
Comment: This sequence change replaces glutamine, which is neutral and polar, with histidine, which is basic and polar, at codon 68 of the OTOG protein (p.Gln68His). This variant is present in population databases (rs376286628, gnomAD 0.04%). This variant has not been reported in the literature in individuals affected with OTOG-related conditions. ClinVar contains an entry for this variant (Variation ID: 3378165). An algorithm developed to predict the effect of missense changes on protein structure and function (PolyPhen-2) suggests that this variant is likely to be tolerated. In summary, the available evidence is currently insufficient to determine the role of this variant in disease. Therefore, it has been classified as a Variant of Uncertain Significance.

GeneDx
Classification: Uncertain significance. Last evaluated: 2024-05-13. Review status: criteria provided, single submitter. Criteria: GeneDx Variant Classification Process June 2021. Collection method: clinical testing. Allele origin: germline. Affected: yes.
Comment: In silico analysis indicates that this missense variant does not alter protein structure/function; Has not been previously published as pathogenic or benign to our knowledge

NM_001292063.2(OTOG):c.168G>C (p.Gln56His)

Gene: OTOG (otogelin; plus strand). Cytogenetic location: 11p15.1.
Variant type: single nucleotide variant.
Coding change: c.168G>C on transcript NM_001292063.2 (MANE Select); coding-DNA position 168, G replaced by C.
Protein change: p.Gln56His; replaces glutamine 56 with histidine.
Molecular consequence: missense variant.
Genome position (GRCh38, 1-based): chr11:17,548,164, G>C. VCF-style: chr11-17548164-G-C. GRCh37 (hg19) VCF-style: chr11-17569711-G-C.
Other names: c.204G>C, p.Gln68His (NM_001277269.2); short protein forms Q56H, Q68H.
Identifiers: ClinVar variation 3378165 (VCV003378165.2).